The following is an entry in ClinVar:

ClinVar aggregate classification (germline): Uncertain significance (1 of 4 stars; one submission).

Conditions:
Cardiovascular phenotype. Identifiers: MedGen CN230736.

Allele frequency attached by ClinVar (database versions not stated): gnomAD 0.00001; gnomAD exomes 0.00001; TOPMed 0.00001.
gnomAD v4.1: 9 of 1,611,588 alleles (0.00056%); highest among the groups gnomAD compares: Admixed American, 0.0033%; no homozygotes.

Submission:

Ambry Genetics
Classification: Uncertain significance for Cardiovascular phenotype. Last evaluated: 2024-02-16. Review status: criteria provided, single submitter. Criteria: Ambry Variant Classification Scheme 2023. Collection method: clinical testing. Allele origin: germline.
Comment: The p.D439N variant (also known as c.1315G>A), located in coding exon 7 of the EPHB4 gene, results from a G to A substitution at nucleotide position 1315. The aspartic acid at codon 439 is replaced by asparagine, an amino acid with highly similar properties. This amino acid position is conserved. In addition, this alteration is predicted to be tolerated by in silico analysis. Based on the available evidence, the clinical significance of this alteration remains unclear.

NM_004444.5(EPHB4):c.1315G>A (p.Asp439Asn)

Gene: EPHB4 (EPH receptor B4; minus strand). Cytogenetic location: 7q22.1.
Variant type: single nucleotide variant.
Coding change: c.1315G>A on transcript NM_004444.5 (MANE Select); coding-DNA position 1315, G replaced by A.
Protein change: p.Asp439Asn; replaces aspartic acid 439 with asparagine.
Molecular consequence: missense variant.
Genome position (GRCh38, 1-based): chr7:100,818,627, C>T on the plus strand (G>A on the coding strand, the complement: EPHB4 is on the minus strand). VCF-style: chr7-100818627-C-T. GRCh37 (hg19) VCF-style: chr7-100416249-C-T.
Other names: short protein forms D439N.
Identifiers: ClinVar variation 3224266 (VCV003224266.1), dbSNP rs1474178715, ClinGen allele CA368573954.